The following is an entry in ClinVar:

ClinVar aggregate classification (germline): Uncertain significance (1 of 4 stars; one submission).

Allele frequency attached by ClinVar (database versions not stated): gnomAD exomes below 0.00001 and 0.00001; ExAC 0.00002.
gnomAD v4.1: 6 of 1,520,332 alleles (0.00039%); highest among the groups gnomAD compares: Non-Finnish European, 0.00053%; no homozygotes.

Submission:

GeneDx
Classification: Uncertain significance. Last evaluated: 2021-02-25. Review status: criteria provided, single submitter. Criteria: GeneDx Variant Classification Process June 2021. Collection method: clinical testing. Allele origin: germline. Affected: yes.
Comment: In silico analysis supports that this missense variant has a deleterious effect on protein structure/function; Has not been previously published as pathogenic or benign to our knowledge

NM_001195.5(BFSP1):c.1372C>T (p.Pro458Ser)

Gene: BFSP1 (beaded filament structural protein 1; minus strand). Cytogenetic location: 20p12.1.
Variant type: single nucleotide variant.
Coding change: c.1372C>T on transcript NM_001195.5 (MANE Select); coding-DNA position 1372, C replaced by T.
Protein change: p.Pro458Ser; replaces proline 458 with serine.
Molecular consequence: missense variant.
Genome position (GRCh38, 1-based): chr20:17,494,700, G>A on the plus strand (C>T on the coding strand, the complement: BFSP1 is on the minus strand). VCF-style: chr20-17494700-G-A. GRCh37 (hg19) VCF-style: chr20-17475345-G-A.
Other names: c.997C>T, p.Pro333Ser (NM_001161705.2); c.955C>T, p.Pro319Ser (NM_001278606.2, NM_001278608.2); c.1039C>T, p.Pro347Ser (NM_001278607.2); short protein forms P458S, P319S, P333S, P347S.
Identifiers: ClinVar variation 393126 (VCV000393126.3), dbSNP rs760271693, ClinGen allele CA9772077.